The following is an entry in ClinVar:

ClinVar aggregate classification (germline): Uncertain significance (1 of 4 stars; one submission).

Conditions:
Cardiovascular phenotype. Identifiers: MedGen CN230736.

gnomAD v4.1: 1 of 1,613,800 alleles (0.000062%); no homozygotes.

Submission:

Ambry Genetics
Classification: Uncertain significance for Cardiovascular phenotype. Last evaluated: 2022-08-01. Review status: criteria provided, single submitter. Criteria: Ambry Variant Classification Scheme 2023. Collection method: clinical testing. Allele origin: germline.
Comment: The p.H721D variant (also known as c.2161C>G), located in coding exon 13 of the LDB3 gene, results from a C to G substitution at nucleotide position 2161. The histidine at codon 721 is replaced by aspartic acid, an amino acid with similar properties. This amino acid position is conserved. In addition, this alteration is predicted to be deleterious by in silico analysis. Since supporting evidence is limited at this time, the clinical significance of this alteration remains unclear.

NM_007078.3(LDB3):c.2161C>G (p.His721Asp)

Gene: LDB3 (LIM domain binding 3; plus strand). Cytogenetic location: 10q23.2.
Variant type: single nucleotide variant.
Coding change: c.2161C>G on transcript NM_007078.3 (MANE Select); coding-DNA position 2161, C replaced by G.
Protein change: p.His721Asp; replaces histidine 721 with aspartic acid.
Molecular consequence: missense variant.
Genome position (GRCh38, 1-based): chr10:86,732,953, C>G. VCF-style: chr10-86732953-C-G. GRCh37 (hg19) VCF-style: chr10-88492710-C-G.
Other names: c.1831C>G, p.His611Asp (NM_001080114.2); c.2176C>G, p.His726Asp (NM_001171610.2); c.1972C>G, p.His658Asp (NM_001368064.1, NM_001368065.1); c.2020C>G, p.His674Asp (NM_001368066.1); short protein forms H726D, H611D, H658D, H721D, H674D.
Identifiers: ClinVar variation 1786920 (VCV001786920.2), dbSNP rs2492882277, ClinGen allele CA377460468.